The following is an entry in ClinVar:

ClinVar aggregate classification (germline): Uncertain significance (1 of 4 stars; one submission).

Conditions:
Familial infantile myasthenia (CMS6). Also called: MYASTHENIC SYNDROME, PRESYNAPTIC, CONGENITAL, ASSOCIATED WITH EPISODIC APNEA; MYASTHENIC SYNDROME, CONGENITAL, 6, PRESYNAPTIC; Congenital myasthenic syndrome type 6. Identifiers: Orphanet 590, MedGen C0393929, MONDO:0009689, OMIM 254210.

Allele frequency attached by ClinVar (database versions not stated): gnomAD 0.00001; TOPMed 0.00002; ExAC 0.00003; gnomAD exomes 0.00003.
gnomAD v4.1: 25 of 1,613,752 alleles (0.0015%); highest among the groups gnomAD compares: African/African-American, 0.004%; no homozygotes.

Submission:

Labcorp Genetics (formerly Invitae), Labcorp
Classification: Uncertain significance for Familial infantile myasthenia. Last evaluated: 2022-10-05. Review status: criteria provided, single submitter. Criteria: Invitae Variant Classification Sherloc (09022015). Collection method: clinical testing. Allele origin: germline.
Comment: This sequence change replaces proline, which is neutral and non-polar, with leucine, which is neutral and non-polar, at codon 489 of the CHAT protein (p.Pro489Leu). This variant is present in population databases (rs764921945, gnomAD 0.01%). This variant has not been reported in the literature in individuals affected with CHAT-related conditions. ClinVar contains an entry for this variant (Variation ID: 461448). Advanced modeling of protein sequence and biophysical properties (such as structural, functional, and spatial information, amino acid conservation, physicochemical variation, residue mobility, and thermodynamic stability) performed at Invitae indicates that this missense variant is not expected to disrupt CHAT protein function. In summary, the available evidence is currently insufficient to determine the role of this variant in disease. Therefore, it has been classified as a Variant of Uncertain Significance.

NM_020549.5(CHAT):c.1466C>T (p.Pro489Leu)

Gene: CHAT (choline O-acetyltransferase; plus strand). Cytogenetic location: 10q11.23.
Variant type: single nucleotide variant.
Coding change: c.1466C>T on transcript NM_020549.5 (MANE Select); coding-DNA position 1466, C replaced by T.
Protein change: p.Pro489Leu; replaces proline 489 with leucine.
Molecular consequence: missense variant.
Genome position (GRCh38, 1-based): chr10:49,649,591, C>T. VCF-style: chr10-49649591-C-T. GRCh37 (hg19) VCF-style: chr10-50857637-C-T.
Other names: c.1112C>T, p.Pro371Leu (NM_001142929.2, NM_001142934.2, NM_020984.4 and 2 more transcripts); c.1220C>T, p.Pro407Leu (NM_001142933.2); short protein forms P371L, P489L, P407L.
Identifiers: ClinVar variation 461448 (VCV000461448.8), dbSNP rs764921945, ClinGen allele CA5497513.
Genomic context (GRCh38, chr10:49,649,591, plus strand): 5'-TCCGAGCAGACTCCGTCAGCGAGCTCCCCGCCCCCCGGAGGCTGCGGTGGAAATGCTCCC[C>T]GGAAATTCAAGGCCACTTAGCCTCCTCGGCAGAAAAACTTCAACGGTAAGGATAACCGAA-3'
Protein context (NP_065574.4, residues 479-499): APRRLRWKCS[Pro489Leu]EIQGHLASSA